The following is an entry in ClinVar:

ClinVar aggregate classification (germline): Uncertain significance. Review status: reviewed by expert panel (3 of 4 stars). 3 submissions from 2 submitters: Uncertain significance (1). 2 of the submissions do not count toward it. Last evaluated 2025-10-08.

Conditions:
Glaucoma. Identifiers: MedGen C0017601, MONDO:0005041, HP:0000501.
Open-angle glaucoma. Identifiers: MedGen C0017612, MONDO:0005338, HP:0012108.
Glaucoma 1, open angle, A (GLC1A). Also called: Glaucoma, Dominant (Juvenile Onset). Identifiers: Orphanet 98977, MedGen C1842028, MONDO:0007664, OMIM 137750.

Allele frequency attached by ClinVar (database versions not stated): TOPMed 0.00001; gnomAD 0.00002; ExAC 0.00001; gnomAD exomes 0.00001.
gnomAD v4.1: 12 of 1,610,416 alleles (0.00075%); highest among the groups gnomAD compares: African/African-American, 0.004%; no homozygotes.

Submissions (3):

ClinGen Glaucoma Variant Curation Expert Panel
Classification: Uncertain significance for Open-angle glaucoma. Last evaluated: 2025-10-08. Review status: reviewed by expert panel. Criteria: ClinGen Glaucoma ACMG Specifications V2.0.0 Approved. Collection method: curation. Allele origin: germline. Inheritance: Autosomal dominant inheritance.
Comment: The c.865G>A variant in MYOC is a missense variant predicted to cause substitution of Aspartic Acid by Asparagine at amino acid 289 (p.Asp289Asn). The highest minor allele frequency of this variant was in the African/African American genetic ancestry group of gnomAD (v4.1.0) = 0.00004013 (3 alleles out of 74,750), which met the ≤ 0.0001 threshold set for PM2_Supporting in a genetic ancestry group of at least 10,000 alleles. The REVEL score = 0.428, which was neither above nor below the thresholds for PP3 (≥ 0.644) or BP4 (≤ 0.290), predicting a damaging or benign impact on MYOC function. There was no functional evidence predicting a damaging or benign impact of this variant on MYOC function. This variant was identified in laboratory based testing, but has not yet been found in a proband with juvenile or primary open angle glaucoma, thus PS4 did not apply. In summary, this variant met the criteria to receive a score of 1 and to be classified as a variant of uncertain significance (uncertain significance classification range -1 to 5, adapted from PMID: 32720330) for primary open angle glaucoma based on the ACMG/AMP criteria met, as specified by the ClinGen Glaucoma VCEP (v2.0.0, 5 Dec 2024): PM2_Supporting.

Illumina Laboratory Services, Illumina
Classification: Uncertain significance for Glaucoma. Last evaluated: 2018-01-13. Review status: criteria provided, single submitter. Criteria: ICSL Variant Classification Criteria 13 December 2019. Collection method: clinical testing. Allele origin: germline. Not counted in ClinVar's aggregate classification.

Illumina Laboratory Services, Illumina
Classification: Uncertain significance for Glaucoma 1, open angle, A. Last evaluated: 2018-01-13. Review status: criteria provided, single submitter. Criteria: ICSL Variant Classification Criteria 13 December 2019. Collection method: clinical testing. Allele origin: germline. Not counted in ClinVar's aggregate classification.

NM_000261.2(MYOC):c.865G>A (p.Asp289Asn)

Gene: MYOC (myocilin; minus strand). Cytogenetic location: 1q24.3.
Variant type: single nucleotide variant.
Coding change: c.865G>A on transcript NM_000261.2 (MANE Select); coding-DNA position 865, G replaced by A.
Protein change: p.Asp289Asn; replaces aspartic acid 289 with asparagine.
Molecular consequence: missense variant.
Genome position (GRCh38, 1-based): chr1:171,636,575, C>T on the plus strand (G>A on the coding strand, the complement: MYOC is on the minus strand). VCF-style: chr1-171636575-C-T. GRCh37 (hg19) VCF-style: chr1-171605715-C-T.
Other names: NM_000261.2(MYOC):c.865G>A; p.Asp289Asn; short protein forms D289N.
Identifiers: ClinVar variation 293713 (VCV000293713.7), dbSNP rs767627671, ClinGen allele CA1244135.
Genomic context (GRCh38, chr1:171,636,575, plus strand): 5'-GCATAAACTGGCTGATGAGGTCATACTCAAAAACCTGGCGGACATCCGTGCCAACTGTGT[C>T]GATTCTCCACGTGGTCTCCTGGGTGTAGGGGTAGGTGGGCTTGGGGTCTCGCATCCACAC-3'
Protein context (NP_000252.1, residues 279-299): PYTQETTWRI[Asp289Asn]TVGTDVRQVF